The following is an entry in ClinVar:

ClinVar aggregate classification (germline): Uncertain significance (1 of 4 stars; one submission).

gnomAD v4.1: 3 of 1,613,812 alleles (0.00019%); highest among the groups gnomAD compares: Admixed American, 0.0017%; no homozygotes.

Submission:

Labcorp Genetics (formerly Invitae), Labcorp
Classification: Uncertain significance. Last evaluated: 2025-10-21. Review status: criteria provided, single submitter. Criteria: Invitae Variant Classification Sherloc (09022015). Collection method: clinical testing. Allele origin: germline.
Comment: This sequence change replaces asparagine, which is neutral and polar, with histidine, which is basic and polar, at codon 1098 of the KANK1 protein (p.Asn1098His). This variant is present in population databases (no rsID available, gnomAD 0.007%). This variant has not been reported in the literature in individuals affected with KANK1-related conditions. Invitae Evidence Modeling of protein sequence and biophysical properties (such as structural, functional, and spatial information, amino acid conservation, physicochemical variation, residue mobility, and thermodynamic stability) indicates that this missense variant is expected to disrupt KANK1 protein function with a positive predictive value of 80%. In summary, the available evidence is currently insufficient to determine the role of this variant in disease. Therefore, it has been classified as a Variant of Uncertain Significance.

NM_015158.5(KANK1):c.3292A>C (p.Asn1098His)

Gene: KANK1 (KN motif and ankyrin repeat domains 1; plus strand). Cytogenetic location: 9p24.3.
Variant type: single nucleotide variant.
Coding change: c.3292A>C on transcript NM_015158.5 (MANE Select); coding-DNA position 3292, A replaced by C.
Protein change: p.Asn1098His; replaces asparagine 1098 with histidine.
Molecular consequence: missense variant. On other transcripts: non-coding transcript variant (1).
Genome position (GRCh38, 1-based): chr9:734,794, A>C. VCF-style: chr9-734794-A-C. GRCh37 (hg19) VCF-style: chr9-734794-A-C.
Other names: c.3292A>C, p.Asn1098His (NM_001256876.3, NM_001256877.3, NM_001354334.2 and 1 more transcripts); c.3052A>C, p.Asn1018His (NM_001354331.2); c.3238A>C, p.Asn1080His (NM_001354332.2); c.2818A>C, p.Asn940His (NM_001354333.2, NM_001354335.2, NM_001354337.2 and 2 more transcripts); c.2524A>C, p.Asn842His (NM_001354336.2, NM_001438411.1); c.2764A>C, p.Asn922His (NM_001354338.2, NM_001354340.2, NM_001354344.2); c.2578A>C, p.Asn860His (NM_001354339.2, NM_001354342.2, NM_001354343.2); short protein forms N1080H, N922H, N842H, N1018H, N1098H, N940H, N860H.
Identifiers: ClinVar variation 4700065 (VCV004700065.1).